The following is an entry in ClinVar:

ClinVar aggregate classification (germline): Benign/Likely benign. Review status: criteria provided, multiple submitters, no conflicts (2 of 4 stars). 3 submissions from 3 submitters: Benign (1); Likely benign (2). Last evaluated 2018-06-14.

Allele frequency attached by ClinVar (database versions not stated): ESP Exome Variant Server 0.12179; gnomAD 0.12674 and 0.12941; TOPMed 0.13544; 1000 Genomes Project 30x 0.17192; 1000 Genomes Project 0.17851.
gnomAD v4.1: 222,011 of 1,613,896 alleles (14%); highest among the groups gnomAD compares: East Asian, 34%; 16,685 homozygotes.

Submissions (3):

GeneDx
Classification: Benign. Last evaluated: 2018-06-14. Review status: criteria provided, single submitter. Criteria: GeneDx Variant Classification (06012015). Collection method: clinical testing. Allele origin: germline. Affected: yes.
Comment: This variant is considered likely benign or benign based on one or more of the following criteria: it is a conservative change, it occurs at a poorly conserved position in the protein, it is predicted to be benign by multiple in silico algorithms, and/or has population frequency not consistent with disease.

Breakthrough Genomics
Classification: Likely benign. Review status: criteria provided, single submitter. Criteria: ACMG Guidelines, 2015. Collection method: not provided. Allele origin: germline. Inheritance: Autosomal recessive inheritance. Affected: yes.

PreventionGenetics, part of Exact Sciences
Classification: Likely benign. Review status: criteria provided, single submitter. Criteria: ACMG Guidelines, 2015. Collection method: clinical testing. Allele origin: germline.

NM_013382.7(POMT2):c.1786-39C>T

Gene: POMT2 (protein O-mannosyltransferase 2; minus strand). Cytogenetic location: 14q24.3.
Variant type: single nucleotide variant.
Coding change: c.1786-39C>T on transcript NM_013382.7 (MANE Select); 39 bases into the intron before coding-DNA position 1786, C replaced by T.
Molecular consequence: intron variant.
Genome position (GRCh38, 1-based): chr14:77,279,967, G>A on the plus strand (C>T on the coding strand, the complement: POMT2 is on the minus strand). VCF-style: chr14-77279967-G-A. GRCh37 (hg19) VCF-style: chr14-77746310-G-A.
Identifiers: ClinVar variation 260297 (VCV000260297.3), dbSNP rs438931, ClinGen allele CA7285702.